The following is an entry in ClinVar:

ClinVar aggregate classification (germline): Uncertain significance (1 of 4 stars; one submission).

Conditions:
Lafora disease. Also called: Epilepsy progressive myoclonic 2. Identifiers: Orphanet 501, MedGen C0751783, MONDO:0009697.

gnomAD v4.1: 1 of 1,614,134 alleles (0.000062%); highest among the groups gnomAD compares: East Asian, 0.0022%; no homozygotes.

Submission:

Broad Center for Mendelian Genomics, Broad Institute of MIT and Harvard
Classification: Uncertain significance for Lafora disease. Last evaluated: 2025-01-06. Review status: criteria provided, single submitter. Criteria: ACMG Guidelines, 2015. Collection method: curation. Allele origin: germline. Inheritance: Autosomal recessive inheritance.
Comment: The p.Thr187Ala variant in EPM2A has been reported, in the compound heterozygous state with a likely pathogenic variant, in 1 individual with Lafora disease (PMID: 12560877), and has been identified in 0.003% (1/39698) of East Asian chromosomes by the Genome Aggregation Database (gnomAD). Although this variant has been seen in the general population in a heterozygous state, its frequency is low enough to be consistent with a recessive carrier frequency. Computational prediction tools and conservation analyses do not provide strong support for or against an impact to the protein. In summary, the clinical significance of the p.Thr187Ala variant is uncertain. ACMG/AMP Criteria applied: PM3, PM2_supporting (Richards 2015).

NM_005670.4(EPM2A):c.559A>G (p.Thr187Ala)

Gene: EPM2A (EPM2A glucan phosphatase, laforin; minus strand). Cytogenetic location: 6q24.3.
Variant type: single nucleotide variant.
Coding change: c.559A>G on transcript NM_005670.4 (MANE Select); coding-DNA position 559, A replaced by G.
Protein change: p.Thr187Ala; replaces threonine 187 with alanine.
Molecular consequence: missense variant. On other transcripts: intron variant (1).
Genome position (GRCh38, 1-based): chr6:145,635,404, T>C on the plus strand (A>G on the coding strand, the complement: EPM2A is on the minus strand). VCF-style: chr6-145635404-T-C. GRCh37 (hg19) VCF-style: chr6-145956540-T-C.
Other names: NR_153398.2:n.292-7711A>G; c.559A>G, p.Thr187Ala (NM_001018041.2, NM_001368130.1); c.145A>G, p.Thr49Ala (NM_001360064.2, NM_001360071.2, NM_001368131.1); c.97A>G, p.Thr33Ala (NM_001368129.2, NM_001368132.1); c.477-7711A>G (NM_001360057.2); short protein forms T187A, T33A, T49A.
Identifiers: ClinVar variation 3776825 (VCV003776825.1).